The following is an entry in ClinVar:

NM_024598.4(USB1):c.259G>A (p.Val87Ile)

Gene: USB1 (U6 snRNA biogenesis phosphodiesterase 1; plus strand). Cytogenetic location: 16q21.
Variant type: single nucleotide variant.
Coding change: c.259G>A on transcript NM_024598.4 (MANE Select); coding-DNA position 259, G replaced by A.
Protein change: p.Val87Ile; replaces valine 87 with isoleucine.
Molecular consequence: missense variant.
Genome position (GRCh38, 1-based): chr16:58,002,639, G>A. VCF-style: chr16-58002639-G-A. GRCh37 (hg19) VCF-style: chr16-58036543-G-A.
Other names: c.259G>A, p.Val87Ile (NM_001195302.2, NM_001204911.2, NM_001330569.2); c.106G>A, p.Val36Ile (NM_001330568.2); short protein forms V36I, V87I.
Identifiers: ClinVar variation 2155832 (VCV002155832.5), dbSNP rs571564926, ClinGen allele CA8084848.

ClinVar aggregate classification (germline): Conflicting classifications of pathogenicity. Review status: criteria provided, conflicting classifications (1 of 4 stars). 2 submissions from 2 submitters: Uncertain significance (1); Likely benign (1). Last evaluated 2024-11-21.

Conditions:
Inborn genetic diseases. Identifiers: MedGen C0950123, MeSH D030342.

Allele frequency attached by ClinVar (database versions not stated): ExAC 0.00002; TOPMed 0.00002; gnomAD 0.00003.
gnomAD v4.1: 54 of 1,613,702 alleles (0.0033%); highest among the groups gnomAD compares: Non-Finnish European, 0.0044%; no homozygotes.

Submissions (2):

Ambry Genetics
Classification: Likely benign for Inborn genetic diseases. Last evaluated: 2024-11-21. Review status: criteria provided, single submitter. Criteria: Ambry Variant Classification Scheme 2023. Collection method: clinical testing. Allele origin: germline.

Labcorp Genetics (formerly Invitae), Labcorp
Classification: Uncertain significance. Last evaluated: 2022-03-18. Review status: criteria provided, single submitter. Criteria: Invitae Variant Classification Sherloc (09022015). Collection method: clinical testing. Allele origin: germline.
Comment: This sequence change replaces valine, which is neutral and non-polar, with isoleucine, which is neutral and non-polar, at codon 87 of the USB1 protein (p.Val87Ile). This variant is present in population databases (rs571564926, gnomAD 0.004%). In summary, the available evidence is currently insufficient to determine the role of this variant in disease. Therefore, it has been classified as a Variant of Uncertain Significance. Algorithms developed to predict the effect of missense changes on protein structure and function output the following: SIFT: "Not Available"; PolyPhen-2: "Benign"; Align-GVGD: "Not Available". The isoleucine amino acid residue is found in multiple mammalian species, which suggests that this missense change does not adversely affect protein function. This variant has not been reported in the literature in individuals affected with USB1-related conditions.